The following is an entry in ClinVar:

NM_004836.7(EIF2AK3):c.604A>G (p.Thr202Ala)

Gene: EIF2AK3 (eukaryotic translation initiation factor 2 alpha kinase 3; minus strand). Cytogenetic location: 2p11.2.
Variant type: single nucleotide variant.
Coding change: c.604A>G on transcript NM_004836.7 (MANE Select); coding-DNA position 604, A replaced by G.
Protein change: p.Thr202Ala; replaces threonine 202 with alanine.
Molecular consequence: missense variant.
Genome position (GRCh38, 1-based): chr2:88,595,498, T>C on the plus strand (A>G on the coding strand, the complement: EIF2AK3 is on the minus strand). VCF-style: chr2-88595498-T-C. GRCh37 (hg19) VCF-style: chr2-88895016-T-C.
Other names: c.151A>G, p.Thr51Ala (NM_001313915.2); short protein forms T202A, T51A.
Identifiers: ClinVar variation 1502095 (VCV001502095.8), dbSNP rs900837802, ClinGen allele CA51498905.

ClinVar aggregate classification (germline): Uncertain significance (1 of 4 stars; one submission).

Allele frequency attached by ClinVar (database versions not stated): TOPMed below 0.00001; gnomAD 0.00001; gnomAD exomes 0.00002.
gnomAD v4.1: 35 of 1,613,938 alleles (0.0022%); highest among the groups gnomAD compares: Non-Finnish European, 0.003%; no homozygotes.

Submission:

Labcorp Genetics (formerly Invitae), Labcorp
Classification: Uncertain significance. Last evaluated: 2025-10-12. Review status: criteria provided, single submitter. Criteria: Invitae Variant Classification Sherloc (09022015). Collection method: clinical testing. Allele origin: germline.
Comment: This sequence change replaces threonine, which is neutral and polar, with alanine, which is neutral and non-polar, at codon 202 of the EIF2AK3 protein (p.Thr202Ala). This variant is present in population databases (no rsID available, gnomAD 0.007%). This variant has not been reported in the literature in individuals affected with EIF2AK3-related conditions. ClinVar contains an entry for this variant (Variation ID: 1502095). An algorithm developed to predict the effect of missense changes on protein structure and function (PolyPhen-2) suggests that this variant is likely to be disruptive. In summary, the available evidence is currently insufficient to determine the role of this variant in disease. Therefore, it has been classified as a Variant of Uncertain Significance.